The following is an entry in ClinVar:

NM_000138.5(FBN1):c.5423-30_5423-28del

Gene: FBN1 (fibrillin 1; minus strand). Cytogenetic location: 15q21.1.
Variant type: Deletion.
Coding change: c.5423-30_5423-28del on transcript NM_000138.5 (MANE Select); 30 bases into the intron before coding-DNA position 5423 through 28 bases into the intron before coding-DNA position 5423, 3 bases deleted (CCT; older notation c.5423-30_5423-28delCCT).
Molecular consequence: intron variant.
Genome position (GRCh38, 1-based): chr15:48,452,712-48,452,714, AGG deleted on the plus strand (CCT on the coding strand, the reverse complement: FBN1 is on the minus strand); deleting any 3 consecutive bases within chr15:48,452,712-48,452,716 gives the same sequence; the c. name uses the placement nearest the transcript's 3' end. VCF-style (leftmost placement, unchanged base first): chr15-48452711-AAGG-A. GRCh37 (hg19) VCF-style: chr15-48744908-AAGG-A.
Other names: c.5423-30_5423-28delCCT (NM_000138.5).
Identifiers: ClinVar variation 1166546 (VCV001166546.17), dbSNP rs56354352, ClinGen allele CA054941.

ClinVar aggregate classification (germline): Benign. Review status: criteria provided, multiple submitters, no conflicts (2 of 4 stars). 5 submissions from 5 submitters: Benign (3). 2 of the submissions do not count toward it. Last evaluated 2025-12-15.

Conditions:
Familial thoracic aortic aneurysm and aortic dissection (TAAD). Also called: Thoracic aortic aneurysms and dissections. Identifiers: Orphanet 91387, MedGen C4707243, MONDO:0019625.
Marfan syndrome (MFS). Also called: Marfan syndrome type 1; Marfan's syndrome; Marfan syndrome, classic; MARFAN SYNDROME, TYPE I; FBN1-Related Marfan Syndrome. Identifiers: Orphanet 284963, Orphanet 558, MedGen C0024796, MONDO:0007947, OMIM 154700.

Submissions (5):

Labcorp Genetics (formerly Invitae), Labcorp
Classification: Benign for Marfan syndrome; Familial thoracic aortic aneurysm and aortic dissection. Last evaluated: 2025-12-15. Review status: criteria provided, single submitter. Criteria: Invitae Variant Classification Sherloc (09022015). Collection method: clinical testing. Allele origin: germline.

Women's Health and Genetics/Laboratory Corporation of America, LabCorp
Classification: Benign. Last evaluated: 2024-12-19. Review status: criteria provided, single submitter. Criteria: LabCorp Variant Classification Summary - May 2015. Collection method: clinical testing. Allele origin: germline.
Comment: Variant summary: FBN1 c.5423-30_5423-28delCCT is located at a position not widely known to affect splicing. Consensus agreement among computation tools predict no significant impact on normal splicing. However, these predictions have yet to be confirmed by functional studies. The variant allele was found at a frequency of 0.025 in 250956 control chromosomes in the gnomAD database, including 171 homozygotes. The observed variant frequency is approximately 220.12 fold of the estimated maximal expected allele frequency for a pathogenic variant in FBN1 causing Marfan Syndrome phenotype (0.00011). To our knowledge, no occurrence of c.5423-30_5423-28delCCT in individuals affected with Marfan Syndrome and no experimental evidence demonstrating its impact on protein function have been reported. ClinVar contains an entry for this variant (Variation ID: 1166546). Based on the evidence outlined above, the variant was classified as benign.

GeneDx
Classification: Benign. Last evaluated: 2020-06-25. Review status: criteria provided, single submitter. Criteria: GeneDx Variant Classification Process June 2021. Collection method: clinical testing. Allele origin: germline. Affected: yes.
Comment: This variant is associated with the following publications: (PMID: 19293843)

Diagnostic Laboratory, Department of Genetics, University Medical Center Groningen
Classification: Benign. Review status: no assertion criteria provided. Collection method: clinical testing. Allele origin: germline. Affected: yes. Study: VKGL Data-share Consensus. Not counted in ClinVar's aggregate classification.

Joint Genome Diagnostic Labs from Nijmegen and Maastricht, Radboudumc and MUMC+
Classification: Likely benign. Review status: no assertion criteria provided. Collection method: clinical testing. Allele origin: germline. Affected: yes. Study: VKGL Data-share Consensus. Not counted in ClinVar's aggregate classification.

Literature cited by the submitters: PubMed 19293843 (cited by Women's Health and Genetics/Laboratory Corporation of America, LabCorp).